The following is an entry in ClinVar:

ClinVar aggregate classification (germline): Uncertain significance (1 of 4 stars; one submission).

Conditions:
Autosomal dominant nonsyndromic hearing loss 1. Also called: KONIGSMARK SYNDROME; DEAFNESS, AUTOSOMAL DOMINANT 1, WITH OR WITHOUT THROMBOCYTOPENIA. Identifiers: Orphanet 90635, MedGen C1852282, MONDO:0007424, OMIM 124900.
Progressive microcephaly-seizures-cortical blindness-developmental delay syndrome. Also called: Seizures, cortical blindness, and microcephaly syndrome. Identifiers: Orphanet 477814, MedGen C5567650, MONDO:0014714, OMIM 616632.

Submission:

Labcorp Genetics (formerly Invitae), Labcorp
Classification: Uncertain significance for Progressive microcephaly-seizures-cortical blindness-developmental delay syndrome; Autosomal dominant nonsyndromic hearing loss 1. Last evaluated: 2022-09-07. Review status: criteria provided, single submitter. Criteria: Invitae Variant Classification Sherloc (09022015). Collection method: clinical testing. Allele origin: germline.
Comment: This variant, c.2013_2048dup, results in the insertion of 12 amino acid(s) of the DIAPH1 protein (p.Gly672_Gly683dup), but otherwise preserves the integrity of the reading frame. In summary, the available evidence is currently insufficient to determine the role of this variant in disease. Therefore, it has been classified as a Variant of Uncertain Significance. Algorithms developed to predict the effect of sequence changes on RNA splicing suggest that this variant may create or strengthen a splice site. Experimental studies and prediction algorithms are not available or were not evaluated, and the functional significance of this variant is currently unknown. ClinVar contains an entry for this variant (Variation ID: 1514654). This variant has not been reported in the literature in individuals affected with DIAPH1-related conditions. This variant is not present in population databases (gnomAD no frequency).

NM_005219.5(DIAPH1):c.2013_2048dup (p.Gly672_Gly683dup)

Gene: DIAPH1 (diaphanous related formin 1; minus strand). Cytogenetic location: 5q31.3.
Variant type: Duplication.
Coding change: c.2013_2048dup on transcript NM_005219.5 (MANE Select); coding-DNA positions 2013 to 2048, 36 bases duplicated.
Protein change: p.Gly672_Gly683dup.
Molecular consequence: inframe insertion.
Genome position (GRCh38, 1-based): chr5:141,573,802-141,573,837, 36 bases duplicated; duplicating any 36 consecutive bases within chr5:141,573,802-141,573,847 gives the same sequence; the c. name uses the placement nearest the transcript's 3' end. GRCh37 (hg19): chr5:140,953,379-140,953,414.
Other names: c.1986_2021dup, p.Gly663_Gly674dup (NM_001079812.3); c.2013_2048dup, p.Gly672_Gly683dup (NM_001314007.2).
Identifiers: ClinVar variation 1514654 (VCV001514654.8), dbSNP rs2154596291, ClinGen allele CA2573139309.